The following is an entry in ClinVar:

NM_001391906.1(EIF4G3):c.-456+155T>G

Gene: EIF4G3 (eukaryotic translation initiation factor 4 gamma 3; minus strand). Cytogenetic location: 1p36.12.
Variant type: single nucleotide variant.
Coding change: c.-456+155T>G on transcript NM_001391906.1 (MANE Select); 155 bases into the intron after 456 bases upstream of the start codon, T replaced by G.
Molecular consequence: intron variant.
Genome position (GRCh38, 1-based): chr1:21,176,567, A>C on the plus strand (T>G on the coding strand, the complement: EIF4G3 is on the minus strand). VCF-style: chr1-21176567-A-C. GRCh37 (hg19) VCF-style: chr1-21503060-A-C.
Other names: c.-196+155T>G (NM_001391899.1, NM_001391893.1); c.-272+155T>G (NM_001391903.1); c.-333+155T>G (NM_001391894.1, NM_001391905.1, NM_001438678.1); c.-456+155T>G (NM_001391896.1, NM_001391900.1, NM_001198801.3 and 9 more transcripts); c.-726+155T>G (NM_001391897.1).
Identifiers: ClinVar variation 3778318 (VCV003778318.7).

ClinVar aggregate classification (germline): Likely benign (1 of 4 stars; one submission).

Submission:

CeGaT Center for Human Genetics Tuebingen
Classification: Likely benign. Last evaluated: 2025-03-01. Review status: criteria provided, single submitter. Criteria: CeGaT Center For Human Genetics Tuebingen Variant Classification Criteria Version 2. Collection method: clinical testing. Allele origin: germline. Affected: yes. Observed: 1 variant allele.
Comment: EIF4G3: BP4, BP7